The following is an entry in ClinVar:

GRCh37/hg19 Xp22.33(chrX:907817-1244544)x3

Variant type: copy number gain.
Change: copy number 3 of chrX:907,817-1,244,544 (336.7 kb, GRCh37 coordinates, 1-based), cytogenetic band Xp22.33.
Identifiers: ClinVar variation 202214 (VCV000202214.4).

ClinVar aggregate classification (germline): Benign (1 of 4 stars; one submission).

Submission:

Cytogenetics Laboratory, University of Washington
Classification: Benign. Last evaluated: 2015-01-21. Review status: criteria provided, single submitter. Criteria: UW Cytogenetics and Genomics Laboratory Policy on CNV Interpretation (5/6/2015). Collection method: clinical testing. Allele origin: unknown. Affected: yes. Observed: 1 variant allele.